The following is an entry in ClinVar:

NM_001079802.2(FKTN):c.647+30A>T

Gene: FKTN (fukutin; plus strand). Cytogenetic location: 9q31.2.
Variant type: single nucleotide variant.
Coding change: c.647+30A>T on transcript NM_001079802.2 (MANE Select); 30 bases into the intron after coding-DNA position 647, A replaced by T.
Molecular consequence: intron variant.
Genome position (GRCh38, 1-based): chr9:105,604,522, A>T. VCF-style: chr9-105604522-A-T. GRCh37 (hg19) VCF-style: chr9-108366803-A-T.
Other names: c.647+30A>T (NM_006731.2, NM_001351496.2, NM_001198963.2 and 1 more transcripts); c.251+30A>T (NM_001351502.2, NM_001351499.2, NM_001351500.2 and 1 more transcripts); c.578+30A>T (NM_001351497.2).
Identifiers: ClinVar variation 3046044 (VCV003046044.2), dbSNP rs538455430, ClinGen allele CA5170456.

ClinVar aggregate classification (germline): Likely benign (0 of 4 stars; one submission).

Conditions:
FKTN-related disorder. Also called: FKTN-related disorders; FKTN-related condition.

Allele frequency attached by ClinVar (database versions not stated): gnomAD 0.00005; gnomAD exomes 0.00005; TOPMed 0.00014; 1000 Genomes Project 0.00020; ExAC 0.00020; 1000 Genomes Project 30x 0.00031.
gnomAD v4.1: 83 of 1,580,980 alleles (0.0052%); highest among the groups gnomAD compares: Admixed American, 0.14%; no homozygotes.

Submission:

PreventionGenetics, part of Exact Sciences
Classification: Likely benign for FKTN-related condition. Last evaluated: 2019-10-25. Review status: no assertion criteria provided. Collection method: clinical testing. Allele origin: germline.
Comment: This variant is classified as likely benign based on ACMG/AMP sequence variant interpretation guidelines (Richards et al. 2015 PMID: 25741868, with internal and published modifications).